The following is an entry in ClinVar:

NM_001267550.2(TTN):c.45391A>G (p.Ile15131Val)

Genes: TTN (titin; minus strand), LOC126806427 (BRD4-independent group 4 enhancer GRCh37_chr2:179485777-179486976; plus strand). Cytogenetic location: 2q31.2.
Variant type: single nucleotide variant.
Coding change: c.45391A>G on transcript NM_001267550.2 (MANE Select); coding-DNA position 45391, A replaced by G.
Protein change: p.Ile15131Val; replaces isoleucine 15131 with valine.
Molecular consequence: missense variant.
Genome position (GRCh38, 1-based): chr2:178,621,327, T>C on the plus strand (A>G on the coding strand, the complement: TTN is on the minus strand). VCF-style: chr2-178621327-T-C. GRCh37 (hg19) VCF-style: chr2-179486054-T-C.
Other names: c.40468A>G, p.Ile13490Val (NM_001256850.1); c.18196A>G, p.Ile6066Val (NM_003319.4); c.37687A>G, p.Ile12563Val (NM_133378.4); c.18571A>G, p.Ile6191Val (NM_133432.3); c.18772A>G, p.Ile6258Val (NM_133437.4); short protein forms I12563V, I13490V, I15131V, I6066V, I6191V, I6258V.
Identifiers: ClinVar variation 3771623 (VCV003771623.13).
Genomic context (GRCh38, chr2:178,621,327, plus strand): 5'-GGACTGGAAAGCTTTCTTTTGATATAGAGCAGACAAATTCAGCCTTTTCTCCTTCAAGTA[T>C]TTCAAGGTTTTGAGGCTTTGAGATAAATTCAGCAGCCAGTTCTGGGAAGAAAAAGTTACA-3'
Protein context (NP_001254479.2, residues 15121-15141): EFISKPQNLE[Ile15131Val]LEGEKAEFVC

ClinVar aggregate classification (germline): Uncertain significance (1 of 4 stars; one submission).

gnomAD v4.1: 3 of 1,611,898 alleles (0.00019%); highest among the groups gnomAD compares: Non-Finnish European, 0.00025%; no homozygotes.

Submission:

CeGaT Center for Human Genetics Tuebingen
Classification: Uncertain significance. Last evaluated: 2025-01-01. Review status: criteria provided, single submitter. Criteria: CeGaT Center For Human Genetics Tuebingen Variant Classification Criteria Version 2. Collection method: clinical testing. Allele origin: germline. Affected: yes. Observed: 1 variant allele.
Comment: TTN: PM2